The following is an entry in ClinVar:

NM_022772.4(EPS8L2):c.767C>G (p.Thr256Arg)

Gene: EPS8L2 (EPS8 signaling adaptor L2; plus strand). Cytogenetic location: 11p15.5.
Variant type: single nucleotide variant.
Coding change: c.767C>G on transcript NM_022772.4 (MANE Select); coding-DNA position 767, C replaced by G.
Protein change: p.Thr256Arg; replaces threonine 256 with arginine.
Molecular consequence: missense variant.
Genome position (GRCh38, 1-based): chr11:721,351, C>G. VCF-style: chr11-721351-C-G. GRCh37 (hg19) VCF-style: chr11-721351-C-G.
Other names: c.767C>G, p.Thr256Arg (NM_001441192.1, NM_001441193.1); c.230C>G, p.Thr77Arg (NM_001441194.1); short protein forms T256R, T77R.
Identifiers: ClinVar variation 4077396 (VCV004077396.2).

ClinVar aggregate classification (germline): Likely pathogenic. Review status: criteria provided, single submitter (1 of 4 stars). 2 submissions from 2 submitters: Likely pathogenic (1). 1 of the submissions does not count toward it. Last evaluated 2025-08-10.

Conditions:
Hearing loss, autosomal recessive 106. Also called: DEAFNESS, AUTOSOMAL RECESSIVE 106. Identifiers: MedGen C4539954, MONDO:0033198, OMIM 617637.

Submissions (2):

Laboratory of Dr. Barbara Vona, University Medical Center Göttingen
Classification: Likely pathogenic for Hearing loss, autosomal recessive 106. Last evaluated: 2025-08-10. Review status: criteria provided, single submitter. Criteria: ClinGen HL ACMG Specifications v1. Collection method: research. Allele origin: germline. Affected: yes. Observed: 3 variant alleles.
Comment: This homozygous variant was identified in two unrelated families with at least three affected individuals with the variant. The variant was confirmed to cause aberrant splicing leading to exon skipping and a frameshift via a minigene splicing assay (Owrang et al., 2025). Both families had hearing impaired individuals with onset ranging from prelingual phase to 7 years of age and it was described with moderate severity and was progressive. Aberrant splicing fits the loss-of-function mechanism of disease. PM2_P, PM3_M, PP3_P, PS3_M

OMIM
Classification: Pathogenic for DEAFNESS, AUTOSOMAL RECESSIVE 106. Last evaluated: 2026-02-10. Review status: no assertion criteria provided. Collection method: literature only. Allele origin: germline. Not counted in ClinVar's aggregate classification.

Literature cited by the submitters: PubMed 41514136 (cited by OMIM).